The following is an entry in ClinVar:

ClinVar aggregate classification (germline): Likely benign (1 of 4 stars; one submission).

gnomAD v4.1: 36 of 1,613,994 alleles (0.0022%); highest among the groups gnomAD compares: Middle Eastern, 0.016%; no homozygotes.

Submission:

CeGaT Center for Human Genetics Tuebingen
Classification: Likely benign. Last evaluated: 2025-04-01. Review status: criteria provided, single submitter. Criteria: CeGaT Center For Human Genetics Tuebingen Variant Classification Criteria Version 2. Collection method: clinical testing. Allele origin: germline. Affected: yes. Observed: 1 variant allele.
Comment: FAT2: BP4, BP7

NM_001447.3(FAT2):c.5856G>A (p.Ala1952=)

Genes: SLC36A1 (solute carrier family 36 member 1; plus strand), FAT2 (FAT atypical cadherin 2; minus strand). Cytogenetic location: 5q33.1.
Variant type: single nucleotide variant.
Coding change: c.5856G>A on transcript NM_001447.3 (MANE Select); coding-DNA position 5856, G replaced by A.
Protein change: p.Ala1952=; no amino-acid change (alanine 1952 retained).
Molecular consequence: synonymous variant.
Genome position (GRCh38, 1-based): chr5:151,545,271, C>T on the plus strand (G>A on the coding strand, the complement: FAT2 is on the minus strand). VCF-style: chr5-151545271-C-T. GRCh37 (hg19) VCF-style: chr5-150924832-C-T.
Identifiers: ClinVar variation 3898333 (VCV003898333.7).